The following is an entry in ClinVar:

NM_152906.7(TANGO2):c.57-129C>A

Gene: TANGO2 (transport and golgi organization 2 homolog; plus strand). Cytogenetic location: 22q11.21.
Variant type: single nucleotide variant.
Coding change: c.57-129C>A on transcript NM_152906.7 (MANE Select); 129 bases into the intron before coding-DNA position 57, C replaced by A.
Molecular consequence: intron variant.
Genome position (GRCh38, 1-based): chr22:20,043,226, C>A. VCF-style: chr22-20043226-C-A. GRCh37 (hg19) VCF-style: chr22-20030749-C-A.
Other names: c.57-129C>A (NM_001283106.3, NM_001322163.2, NM_001283179.3 and 10 more transcripts); c.-123-129C>A (NM_001322174.2, NM_001322172.2, NM_001322160.2 and 9 more transcripts); c.180-129C>A (NM_001322143.2, NM_001322145.2, NM_001322141.2 and 5 more transcripts).
Identifiers: ClinVar variation 672143 (VCV000672143.2), dbSNP rs409519, ClinGen allele CA14955838.

ClinVar aggregate classification (germline): Benign. Review status: criteria provided, multiple submitters, no conflicts (2 of 4 stars). 2 submissions from 2 submitters: Benign (2). Last evaluated 2018-06-19.

Allele frequency attached by ClinVar (database versions not stated): TOPMed 0.05748; gnomAD exomes 0.06531; gnomAD 0.06555; 1000 Genomes Project 30x 0.07074; 1000 Genomes Project 0.07228.
gnomAD v4.1: 43,510 of 676,492 alleles (6.4%); highest among the groups gnomAD compares: South Asian, 10%; 1,551 homozygotes.

Submissions (2):

GeneDx
Classification: Benign. Last evaluated: 2018-06-19. Review status: criteria provided, single submitter. Criteria: GeneDx Variant Classification (06012015). Collection method: clinical testing. Allele origin: germline. Affected: yes.
Comment: This variant is considered likely benign or benign based on one or more of the following criteria: it is a conservative change, it occurs at a poorly conserved position in the protein, it is predicted to be benign by multiple in silico algorithms, and/or has population frequency not consistent with disease.

Breakthrough Genomics
Classification: Benign. Review status: criteria provided, single submitter. Criteria: ACMG Guidelines, 2015. Collection method: not provided. Allele origin: germline. Inheritance: Autosomal recessive inheritance. Affected: yes.